The following is an entry in ClinVar:

ClinVar aggregate classification (germline): Conflicting classifications of pathogenicity. Review status: criteria provided, conflicting classifications (1 of 4 stars). 7 submissions from 7 submitters: Uncertain significance (4); Likely benign (2). 1 of the submissions does not count toward it. Last evaluated 2025-09-24.

Conditions:
RYR1-related disorder. Also called: RYR1-related condition; RYR1-related disorders. Identifiers: MedGen CN239331.
Malignant hyperthermia, susceptibility to, 1 (MHS1). Also called: Anesthesia related hyperthermia; Malignant hyperpyrexia; Fulminating hyperpyrexia; Pharmacogenic myopathy; RYR1-Related Malignant Hyperthermia Susceptibility; Malignant hyperthermia suceptibility 1. Identifiers: Orphanet 423, MedGen C2930980, MONDO:0007783, OMIM 145600.

Allele frequency attached by ClinVar (database versions not stated): ExAC 0.00004; gnomAD exomes 0.00004 and 0.00009; ESP Exome Variant Server 0.00008; gnomAD 0.00009 and 0.00010; TOPMed 0.00014.
gnomAD v4.1: 154 of 1,614,034 alleles (0.0095%); highest among the groups gnomAD compares: Admixed American, 0.013%; no homozygotes.

Submissions (7):

Women's Health and Genetics/Laboratory Corporation of America, LabCorp
Classification: Uncertain significance. Last evaluated: 2025-09-24. Review status: criteria provided, single submitter. Criteria: LabCorp Variant Classification Summary - May 2015. Collection method: clinical testing. Allele origin: germline.
Comment: Variant summary: RYR1 c.10440+4G>A alters a conserved nucleotide located close to a canonical splice site and therefore could affect mRNA splicing, leading to a significantly altered protein sequence. Consensus agreement among computation tools predict no significant impact on normal splicing. However, these predictions have yet to be confirmed by functional studies. The variant allele was found at a frequency of 4e-05 in 251274 control chromosomes. This frequency is not significantly higher than estimated for disease-causing variants in RYR1, allowing no conclusion about variant significance. To our knowledge, no occurrence of c.10440+4G>A in individuals affected with RYR1-related conditions and no experimental evidence demonstrating its impact on protein function have been reported. ClinVar contains an entry for this variant (Variation ID: 644017). Based on the evidence outlined above, the variant was classified as uncertain significance.

Blueprint Genetics
Classification: Likely benign. Last evaluated: 2024-11-11. Review status: criteria provided, single submitter. Criteria: ACMG Guidelines, 2015. Collection method: clinical testing. Allele origin: germline.

All of Us Research Program, National Institutes of Health
Classification: Uncertain significance for Malignant hyperthermia, susceptibility to, 1. Last evaluated: 2024-09-23. Review status: criteria provided, single submitter. Criteria: ACMG Guidelines, 2015. Collection method: clinical testing. Allele origin: germline. Inheritance: Autosomal dominant inheritance. Observed: 21 variant alleles, 21 heterozygotes.
Comment: This variant causes a G to A nucleotide substitution at the +4 position of intron 69 of the RYR1 gene. To our knowledge, functional studies have not been reported for this variant. This variant has not been reported in individuals affected with RYR1-related disorders in the literature. This variant has been identified in 10/251274 chromosomes in the general population by the Genome Aggregation Database (gnomAD). The available evidence is insufficient to determine the role of this variant in disease conclusively. Therefore, this variant is classified as a Variant of Uncertain Significance.

This study involves interpretation of variants in research participants for the purpose of population health screening. Participant phenotype was not available at the time of variant classification. Additional details can be found in publication PMID: 35346344, PMCID: PMC8962531

Color Diagnostics, LLC DBA Color Health
Classification: Uncertain significance for Malignant hyperthermia, susceptibility to, 1. Last evaluated: 2024-04-25. Review status: criteria provided, single submitter. Criteria: ACMG Guidelines, 2015. Collection method: clinical testing. Allele origin: germline.
Comment: This variant causes a G to A nucleotide substitution at the +4 position of intron 69 of the RYR1 gene. To our knowledge, functional studies have not been reported for this variant. This variant has not been reported in individuals affected with RYR1-related disorders in the literature. This variant has been identified in 10/251274 chromosomes in the general population by the Genome Aggregation Database (gnomAD). The available evidence is insufficient to determine the role of this variant in disease conclusively. Therefore, this variant is classified as a Variant of Uncertain Significance.

Labcorp Genetics (formerly Invitae), Labcorp
Classification: Uncertain significance for RYR1-related disorder. Last evaluated: 2022-07-26. Review status: criteria provided, single submitter. Criteria: Invitae Variant Classification Sherloc (09022015). Collection method: clinical testing. Allele origin: germline.
Comment: This sequence change falls in intron 69 of the RYR1 gene. It does not directly change the encoded amino acid sequence of the RYR1 protein. It affects a nucleotide within the consensus splice site. This variant is present in population databases (rs373523691, gnomAD 0.007%). This variant has not been reported in the literature in individuals affected with RYR1-related conditions. ClinVar contains an entry for this variant (Variation ID: 644017). Variants that disrupt the consensus splice site are a relatively common cause of aberrant splicing (PMID: 17576681, 9536098). Algorithms developed to predict the effect of sequence changes on RNA splicing suggest that this variant is not likely to affect RNA splicing. In summary, the available evidence is currently insufficient to determine the role of this variant in disease. Therefore, it has been classified as a Variant of Uncertain Significance.

GeneDx
Classification: Likely benign. Last evaluated: 2021-06-07. Review status: criteria provided, single submitter. Criteria: GeneDx Variant Classification Process June 2021. Collection method: clinical testing. Allele origin: germline. Affected: yes.
Comment: See Variant Classification Assertion Criteria.

PreventionGenetics, part of Exact Sciences
Classification: Likely benign for RYR1-related condition. Last evaluated: 2023-08-24. Review status: no assertion criteria provided. Collection method: clinical testing. Allele origin: germline. Not counted in ClinVar's aggregate classification.
Comment: This variant is classified as likely benign based on ACMG/AMP sequence variant interpretation guidelines (Richards et al. 2015 PMID: 25741868, with internal and published modifications).

Literature cited by the submitters: PubMed 17576681 (cited by Labcorp Genetics (formerly Invitae), Labcorp); PubMed 9536098 (cited by Labcorp Genetics (formerly Invitae), Labcorp).

NM_000540.3(RYR1):c.10440+4G>A

Gene: RYR1 (ryanodine receptor 1; plus strand). Cytogenetic location: 19q13.2.
Variant type: single nucleotide variant.
Coding change: c.10440+4G>A on transcript NM_000540.3 (MANE Select); 4 bases into the intron after coding-DNA position 10440, G replaced by A.
Molecular consequence: intron variant.
Genome position (GRCh38, 1-based): chr19:38,523,313, G>A. VCF-style: chr19-38523313-G-A. GRCh37 (hg19) VCF-style: chr19-39013953-G-A.
Other names: c.10440+4G>A (NM_001042723.2).
Identifiers: ClinVar variation 644017 (VCV000644017.13), dbSNP rs373523691, ClinGen allele CA053463.